The following is an entry in ClinVar:

NM_000277.3(PAH):c.676C>T (p.Gln226Ter)

Gene: PAH (phenylalanine hydroxylase; minus strand). Cytogenetic location: 12q23.2.
Variant type: single nucleotide variant.
Coding change: c.676C>T on transcript NM_000277.3 (MANE Select); coding-DNA position 676, C replaced by T.
Protein change: p.Gln226Ter; replaces glutamine 226 with a stop codon.
Molecular consequence: nonsense.
Genome position (GRCh38, 1-based): chr12:102,855,166, G>A on the plus strand (C>T on the coding strand, the complement: PAH is on the minus strand). VCF-style: chr12-102855166-G-A. GRCh37 (hg19) VCF-style: chr12-103248944-G-A.
Other names: c.676C>T, p.Gln226Ter (NM_001354304.2); short protein forms Q226*.
Identifiers: ClinVar variation 102782 (VCV000102782.2), dbSNP rs62508696, ClinGen allele CA229689.

ClinVar aggregate classification (germline): Likely pathogenic. Review status: reviewed by expert panel (3 of 4 stars). 2 submissions from 2 submitters: Likely pathogenic (1). 1 of the submissions does not count toward it. Last evaluated 2020-04-05.

Conditions:
Phenylketonuria (PKU). Also called: Phenylketonuria (PKU); FOLLING DISEASE; OLIGOPHRENIA PHENYLPYRUVICA; Phenylketonurias. Identifiers: Orphanet 716, MedGen C0031485, MONDO:0009861, OMIM 261600. Disease mechanism: loss of function.

Submissions (2):

ClinGen PAH Variant Curation Expert Panel
Classification: Likely pathogenic for Phenylketonuria. Last evaluated: 2020-04-05. Review status: reviewed by expert panel. Criteria: ClinGen PAH ACMG Specifications v1. Collection method: curation. Allele origin: germline. Inheritance: Autosomal recessive inheritance.
Comment: The c.676C>T (p.Gln226Ter) variant in PAH is a null variant (nonsense variant) in a gene where LOF is a known mechanism of disease, leading to premature truncation and NMD (PVS1). It is absent from ethnically diverse control databases, including gnomAD/ExAC, 1000 Genomes, and ESP (PM2). It does not appear to have been reported in detail in the published literature, but has been noted in the BioPKU database (PMID: 24939588) and in Clinvar (Variation ID 102782), without further case-level information. Classification: Likely Pathogenic Supporting Criteria: PVS1, PM2

DeBelle Laboratory for Biochemical Genetics, MUHC/MCH RESEARCH INSTITUTE
No classification provided. Review status: no classification provided. Collection method: not provided. Allele origin: not provided. Not counted in ClinVar's aggregate classification.